The following is an entry in ClinVar:

NM_006231.4(POLE):c.3937A>G (p.Thr1313Ala)

Gene: POLE (DNA polymerase epsilon, catalytic subunit; minus strand). Cytogenetic location: 12q24.33.
Variant type: single nucleotide variant.
Coding change: c.3937A>G on transcript NM_006231.4 (MANE Select); coding-DNA position 3937, A replaced by G.
Protein change: p.Thr1313Ala; replaces threonine 1313 with alanine.
Molecular consequence: missense variant.
Genome position (GRCh38, 1-based): chr12:132,649,374, T>C on the plus strand (A>G on the coding strand, the complement: POLE is on the minus strand). VCF-style: chr12-132649374-T-C. GRCh37 (hg19) VCF-style: chr12-133225960-T-C.
Other names: short protein forms T1313A.
Identifiers: ClinVar variation 240493 (VCV000240493.12), dbSNP rs878854866, ClinGen allele CA10582997.
Genomic context (GRCh38, chr12:132,649,374, plus strand): 5'-TCTGCCACGGAAGGTCCAGGATGCTGCGGGCAGTTCTTCGCAAGAAGCTCCCCAGCCCCG[T>C]GGCAGGACCATCCCGGATGGCCCCGGGCCTGAGCACACCCTCTGCCGACTCCAGACGCTG-3'
Protein context (NP_006222.2, residues 1303-1323): RPGAIRDGPA[Thr1313Ala]GLGSFLRRTA

ClinVar aggregate classification (germline): Conflicting classifications of pathogenicity. Review status: criteria provided, conflicting classifications (1 of 4 stars). 2 submissions from 2 submitters: Uncertain significance (1); Likely benign (1). Last evaluated 2024-12-20.

Conditions:
Hereditary cancer-predisposing syndrome. Also called: Tumor predisposition; Neoplastic Syndromes, Hereditary; Hereditary Cancer Syndrome; Hereditary neoplastic syndrome. Identifiers: Orphanet 140162, MedGen C0027672, MeSH D009386, MONDO:0015356.

Allele frequency attached by ClinVar (database versions not stated): gnomAD exomes below 0.00001.
gnomAD v4.1: 2 of 1,613,534 alleles (0.00012%); highest among the groups gnomAD compares: South Asian, 0.0011%; no homozygotes.

Submissions (2):

Ambry Genetics
Classification: Likely benign for Hereditary cancer-predisposing syndrome. Last evaluated: 2024-12-20. Review status: criteria provided, single submitter. Criteria: Ambry Variant Classification Scheme 2023. Collection method: clinical testing. Allele origin: germline.

Labcorp Genetics (formerly Invitae), Labcorp
Classification: Uncertain significance. Last evaluated: 2024-06-06. Review status: criteria provided, single submitter. Criteria: Invitae Variant Classification Sherloc (09022015). Collection method: clinical testing. Allele origin: germline.
Comment: This sequence change replaces threonine, which is neutral and polar, with alanine, which is neutral and non-polar, at codon 1313 of the POLE protein (p.Thr1313Ala). This variant is not present in population databases (gnomAD no frequency). This variant has not been reported in the literature in individuals affected with POLE-related conditions. ClinVar contains an entry for this variant (Variation ID: 240493). Advanced modeling of protein sequence and biophysical properties (such as structural, functional, and spatial information, amino acid conservation, physicochemical variation, residue mobility, and thermodynamic stability) performed at Invitae indicates that this missense variant is not expected to disrupt POLE protein function with a negative predictive value of 80%. In summary, the available evidence is currently insufficient to determine the role of this variant in disease. Therefore, it has been classified as a Variant of Uncertain Significance.